The following is an entry in ClinVar:

NM_002471.4(MYH6):c.4665C>G (p.His1555Gln)

Genes: MYH6 (myosin heavy chain 6; minus strand), LOC126861896 (BRD4-independent group 4 enhancer GRCh37_chr14:23854904-23856103; plus strand). Cytogenetic location: 14q11.2.
Variant type: single nucleotide variant.
Coding change: c.4665C>G on transcript NM_002471.4 (MANE Select); coding-DNA position 4665, C replaced by G.
Protein change: p.His1555Gln; replaces histidine 1555 with glutamine.
Molecular consequence: missense variant.
Genome position (GRCh38, 1-based): chr14:23,386,609, G>C on the plus strand (C>G on the coding strand, the complement: MYH6 is on the minus strand). VCF-style: chr14-23386609-G-C. GRCh37 (hg19) VCF-style: chr14-23855818-G-C.
Other names: short protein forms H1555Q.
Identifiers: ClinVar variation 2587176 (VCV002587176.2), dbSNP rs373888186, ClinGen allele CA388993312.

ClinVar aggregate classification (germline): Uncertain significance (1 of 4 stars; one submission).

Conditions:
Cardiovascular phenotype. Identifiers: MedGen CN230736.

gnomAD v4.1: 2 of 1,610,140 alleles (0.00012%); highest among the groups gnomAD compares: Admixed American, 0.0033%; no homozygotes.

Submission:

Ambry Genetics
Classification: Uncertain significance for Cardiovascular phenotype. Last evaluated: 2023-07-18. Review status: criteria provided, single submitter. Criteria: Ambry Variant Classification Scheme 2023. Collection method: clinical testing. Allele origin: germline.
Comment: The p.H1555Q variant (also known as c.4665C>G), located in coding exon 31 of the MYH6 gene, results from a C to G substitution at nucleotide position 4665. The histidine at codon 1555 is replaced by glutamine, an amino acid with highly similar properties. This amino acid position is conserved. In addition, this alteration is predicted to be tolerated by in silico analysis. Since supporting evidence is limited at this time, the clinical significance of this alteration remains unclear.